The following is an entry in ClinVar:

NM_000059.4(BRCA2):c.6161_6169del (p.Ala2054_Ser2056del)

Gene: BRCA2 (BRCA2 DNA repair associated; plus strand). Cytogenetic location: 13q13.1.
Variant type: Deletion.
Coding change: c.6161_6169del on transcript NM_000059.4 (MANE Select); coding-DNA positions 6161 to 6169, 9 bases deleted (CTTTCTCTG; older notation c.6161_6169delCTTTCTCTG).
Protein change: p.Ala2054_Ser2056del.
Molecular consequence: non-coding transcript variant (on NR_176251.1). On other transcripts: intron variant (2).
Genome position (GRCh38, 1-based): chr13:32,340,516-32,340,524, CTTTCTCTG deleted; deleting any 9 consecutive bases within chr13:32,340,512-32,340,524 gives the same sequence; the c. name uses the placement nearest the transcript's 3' end. VCF-style (leftmost placement, unchanged base first): chr13-32340511-ATCTGCTTTC-A. GRCh37 (hg19) VCF-style: chr13-32914648-ATCTGCTTTC-A.
Other names: c.6161_6169del, p.Ala2054_Ser2056del (NM_001406719.1, NM_001406720.1, NM_001432077.1); c.1910-4042_1910-4034del (NM_001406721.1); c.425-4042_425-4034del (NM_001406722.1).
Identifiers: ClinVar variation 5033246 (VCV005033246.1).
Genomic context (GRCh38, chr13:32,340,511, plus strand): 5'-TATACGTACTCCAGAACATTTAATATCCCAAAAAGGCTTTTCATATAATGTGGTAAATTC[ATCTGCTTTC>A]TCTGGATTTAGTACAGCAAGTGGAAAGCAAGTTTCCATTTTAGAAAGTTCCTTACACAAA-3'

ClinVar aggregate classification (germline): Uncertain significance (1 of 4 stars; one submission).

Conditions:
Hereditary cancer-predisposing syndrome. Also called: Neoplastic Syndromes, Hereditary; Tumor predisposition; Hereditary neoplastic syndrome; Hereditary Cancer Syndrome. Identifiers: Orphanet 140162, MedGen C0027672, MeSH D009386, MONDO:0015356.

Submission:

Ambry Genetics
Classification: Uncertain significance for Hereditary cancer-predisposing syndrome. Last evaluated: 2026-06-18. Review status: criteria provided, single submitter. Criteria: Ambry Variant Classification Scheme 2023. Collection method: clinical testing. Allele origin: germline.
Comment: The c.6161_6169delCTTTCTCTG variant (also known as p.A2054_S2056del) is located in coding exon 10 of the BRCA2 gene. This variant results from an in-frame CTTTCTCTG deletion at nucleotide positions 6161 to 6169. This results in the in-frame deletion of the amino acids at codons 2054 to 2056. This amino acid region is conserved in available vertebrate species. In addition, this variant is predicted to be deleterious by in silico analysis (Choi Y et al. PLoS ONE. 2012; 7(10):e46688). Based on the available evidence, the clinical significance of this variant remains unclear.